The following is an entry in ClinVar:

NM_001367624.2(ZNF469):c.5722C>G (p.Pro1908Ala)

Gene: ZNF469 (zinc finger protein 469; plus strand). Cytogenetic location: 16q24.2.
Variant type: single nucleotide variant.
Coding change: c.5722C>G on transcript NM_001367624.2 (MANE Select); coding-DNA position 5722, C replaced by G.
Protein change: p.Pro1908Ala; replaces proline 1908 with alanine.
Molecular consequence: missense variant.
Genome position (GRCh38, 1-based): chr16:88,433,192, C>G. VCF-style: chr16-88433192-C-G. GRCh37 (hg19) VCF-style: chr16-88499600-C-G.
Other names: short protein forms P1908A.
Identifiers: ClinVar variation 2086904 (VCV002086904.2), dbSNP rs2507591382, ClinGen allele CA397101965.

ClinVar aggregate classification (germline): Uncertain significance (1 of 4 stars; one submission).

gnomAD v4.1: 3 of 1,550,368 alleles (0.00019%); no homozygotes.

Submission:

Labcorp Genetics (formerly Invitae), Labcorp
Classification: Uncertain significance. Last evaluated: 2022-01-17. Review status: criteria provided, single submitter. Criteria: Invitae Variant Classification Sherloc (09022015). Collection method: clinical testing. Allele origin: germline.
Comment: In summary, the available evidence is currently insufficient to determine the role of this variant in disease. Therefore, it has been classified as a Variant of Uncertain Significance. Algorithms developed to predict the effect of missense changes on protein structure and function (SIFT, PolyPhen-2, Align-GVGD) all suggest that this variant is likely to be tolerated. This variant has not been reported in the literature in individuals affected with ZNF469-related conditions. This variant is not present in population databases (gnomAD no frequency). This sequence change replaces proline, which is neutral and non-polar, with alanine, which is neutral and non-polar, at codon 1880 of the ZNF469 protein (p.Pro1880Ala).